The following is an entry in ClinVar:

NM_001267550.2(TTN):c.104861_104876del (p.Pro34954fs)

Genes: TTN (titin; minus strand), TTN-AS1 (TTN antisense RNA 1; plus strand). Cytogenetic location: 2q31.2.
Variant type: Deletion.
Coding change: c.104861_104876del on transcript NM_001267550.2 (MANE Select); coding-DNA positions 104861 to 104876, 16 bases deleted (CATGTGGCCAAAATAC).
Protein change: p.Pro34954fs; shifts the reading frame from proline 34954.
Molecular consequence: frameshift variant.
Genome position (GRCh38, 1-based): chr2:178,531,739-178,531,754, GTATTTTGGCCACATG deleted on the plus strand (CATGTGGCCAAAATAC on the coding strand, the reverse complement: TTN is on the minus strand); deleting any 16 consecutive bases within chr2:178,531,739-178,531,757 gives the same sequence; the c. name uses the placement nearest the transcript's 3' end. VCF-style (leftmost placement, unchanged base first): chr2-178531738-TGTATTTTGGCCACATG-T. GRCh37 (hg19) VCF-style: chr2-179396465-TGTATTTTGGCCACATG-T.
Other names: c.104861_104876del16 (NM_001267550.2); c.99938_99953del, p.Pro33313fs (NM_001256850.1); c.77666_77681del, p.Pro25889fs (NM_003319.4); c.97157_97172del, p.Pro32386fs (NM_133378.4); c.78041_78056del, p.Pro26014fs (NM_133432.3); c.78242_78257del, p.Pro26081fs (NM_133437.4); short protein forms P25889fs, P26014fs, P26081fs, P32386fs, P33313fs, P34954fs.
Identifiers: ClinVar variation 1068262 (VCV001068262.13), dbSNP rs1402952523, ClinGen allele CA761287525.

ClinVar aggregate classification (germline): Likely pathogenic. Review status: criteria provided, multiple submitters, no conflicts (2 of 4 stars). 2 submissions from 2 submitters: Likely pathogenic (2). Last evaluated 2025-04-27.

Conditions:
TTN-related disorder. Also called: TTN-related disorders; TTN-related condition; TTN-related disease.
Dilated cardiomyopathy 1G (CMD1G). Identifiers: Orphanet 154, MedGen C1858763, MONDO:0011400, OMIM 604145.
Autosomal recessive limb-girdle muscular dystrophy type 2J (LGMDR10). Also called: Limb-girdle muscular dystrophy, type 2J; MUSCULAR DYSTROPHY, LIMB-GIRDLE, AUTOSOMAL RECESSIVE 10. Identifiers: Orphanet 140922, MedGen C1837342, MONDO:0012127, OMIM 608807.

Submissions (2):

Labcorp Genetics (formerly Invitae), Labcorp
Classification: Likely pathogenic for Dilated cardiomyopathy 1G; Autosomal recessive limb-girdle muscular dystrophy type 2J. Last evaluated: 2025-04-27. Review status: criteria provided, single submitter. Criteria: Invitae Variant Classification Sherloc (09022015). Collection method: clinical testing. Allele origin: germline.
Comment: This sequence change creates a premature translational stop signal (p.Pro34954Hisfs*5) in the TTN gene. While this is not anticipated to result in nonsense mediated decay, it is expected to create a truncated TTN protein. This variant is not present in population databases (gnomAD no frequency). This premature translational stop signal has been observed in individual(s) with dilated cardiomyopathy (PMID: 32998006). ClinVar contains an entry for this variant (Variation ID: 1068262). This variant is located in the M band of TTN (PMID: 25589632). Truncating variants in this region have been previously reported in individuals affected with autosomal dominant or autosomal recessive myopathy and muscular dystrophy (PMID: 18948003, 23975875, 24395473). Truncating variants in this region have also been identified in individuals affected with autosomal dominant dilated cardiomyopathy and/or cardio-related conditions (PMID: 27869827, 32964742, internal data). In summary, the currently available evidence indicates that the variant is pathogenic, but additional data are needed to prove that conclusively. Therefore, this variant has been classified as Likely Pathogenic.

PreventionGenetics, part of Exact Sciences
Classification: Likely pathogenic for TTN-related condition. Last evaluated: 2024-10-16. Review status: criteria provided, single submitter. Criteria: ACMG Guidelines, 2015. Collection method: clinical testing. Allele origin: germline.
Comment: The TTN c.104861_104876del16 variant is predicted to result in a frameshift and premature protein termination (p.Pro34954Hisfs*5). This variant has been reported in an individual with dilated cardiomyopathy (Table 2, Anderson et al. 2020. PubMed ID: 32998006). This variant has not been reported in a large population database (gnomAD), indicating this variant is rare. This variant occurs in exon 359 which is located in the M-band region of the TTN protein. Exons 359-364 (Mex1-Mex6) have historically been found to harbor a significant number of pathogenic variants for TTN-related autosomal dominant and recessive muscle disorders (Hackman et al. 2002. PMID: 12145747; Evilä et al. 2014. PMID: 24395473). Other nearby protein truncating variants in this exon (eg. p.Gln34757*, p.Arg34805*, p.Glu34818T*, p.Lys35181*) have been reported in individuals with dilated cardiomyopathy or early onset atrial fibrillation (Mehaney. 2021. PubMed ID: 34036930; Marschall. 2019. PubMed ID: 31737537; Chalazan. 2021. PubMed ID: 33950154; Wang. 2022. PubMed ID: 34350506). RNAseq studies from heart tissue indicate this exon is commonly included in TTN mRNA transcripts (PSI of 100%, Roberts A.M. et al. 2015. PMID: 25589632). TTN truncating variants are reported in 1-2% of presumably healthy individuals, but occur more frequently in exons with low PSI values (Roberts A.M. et al. 2015. PMID: 25589632; Herman D.S. et al. 2012. PMID: 22335739). Many cases of recessive congenital TTN-related myopathies in which the individual is compound heterozygous for two loss of function variants in TTN have also been reported (See Ceyhan-Birsoy O. et al. 2013. PMID: 23975875; Chauveau C et al. 2014. PMID: 24105469; Evilä A et al. 2016. PMID: 27796757; Ge et al. 2019. PubMed ID: 31053406). In summary, the c.104861_104876del16 (p.Pro34954Hisfs*5) variant is likely pathogenic for autosomal dominant and recessive TTN-related disorders.

Literature cited by the submitters: PubMed 32998006 (cited by Labcorp Genetics (formerly Invitae), Labcorp); PubMed 25589632 (cited by Labcorp Genetics (formerly Invitae), Labcorp); PubMed 18948003 (cited by Labcorp Genetics (formerly Invitae), Labcorp); PubMed 23975875 (cited by Labcorp Genetics (formerly Invitae), Labcorp); PubMed 24395473 (cited by Labcorp Genetics (formerly Invitae), Labcorp); PubMed 27869827 (cited by Labcorp Genetics (formerly Invitae), Labcorp); PubMed 32964742 (cited by Labcorp Genetics (formerly Invitae), Labcorp).